The following is an entry in ClinVar:

NM_016107.5(ZFR):c.22G>C (p.Val8Leu)

Genes: ZFR (zinc finger RNA binding protein; minus strand), LOC129993763 (ATAC-STARR-seq lymphoblastoid silent region 15958; plus strand). Cytogenetic location: 5p13.3.
Variant type: single nucleotide variant.
Coding change: c.22G>C on transcript NM_016107.5 (MANE Select); coding-DNA position 22, G replaced by C.
Protein change: p.Val8Leu; replaces valine 8 with leucine.
Molecular consequence: missense variant. On other transcripts: non-coding transcript variant (1).
Genome position (GRCh38, 1-based): chr5:32,444,637, C>G on the plus strand (G>C on the coding strand, the complement: ZFR is on the minus strand). VCF-style: chr5-32444637-C-G. GRCh37 (hg19) VCF-style: chr5-32444743-C-G.
Other names: short protein forms V8L.
Identifiers: ClinVar variation 1721040 (VCV001721040.6), dbSNP rs2477769306, ClinGen allele CA359364253.

ClinVar aggregate classification (germline): Uncertain significance (1 of 4 stars; one submission).

Conditions:
Pure or complex autosomal recessive spastic paraplegia. Identifiers: Orphanet 320346, MedGen C5679887, MONDO:0017915.

Submission:

Labcorp Genetics (formerly Invitae), Labcorp
Classification: Uncertain significance for Pure or complex autosomal recessive spastic paraplegia. Last evaluated: 2022-10-05. Review status: criteria provided, single submitter. Criteria: Invitae Variant Classification Sherloc (09022015). Collection method: clinical testing. Allele origin: germline.
Comment: This sequence change replaces valine, which is neutral and non-polar, with leucine, which is neutral and non-polar, at codon 8 of the ZFR protein (p.Val8Leu). This variant is not present in population databases (gnomAD no frequency). This variant has not been reported in the literature in individuals affected with ZFR-related conditions. Algorithms developed to predict the effect of missense changes on protein structure and function are either unavailable or do not agree on the potential impact of this missense change (SIFT: "Deleterious"; PolyPhen-2: "Benign"; Align-GVGD: "Class C0"). In summary, the available evidence is currently insufficient to determine the role of this variant in disease. Therefore, it has been classified as a Variant of Uncertain Significance.